The following is an entry in ClinVar:

ClinVar aggregate classification (germline): Likely benign (1 of 4 stars; one submission).

Submission:

GeneDx
Classification: Likely benign. Last evaluated: 2018-03-15. Review status: criteria provided, single submitter. Criteria: GeneDx Variant Classification (06012015). Collection method: clinical testing. Allele origin: germline. Affected: yes.
Comment: This variant is considered likely benign or benign based on one or more of the following criteria: it is a conservative change, it occurs at a poorly conserved position in the protein, it is predicted to be benign by multiple in silico algorithms, and/or has population frequency not consistent with disease.

NM_001271.4(CHD2):c.2169C>T (p.Ala723=)

Gene: CHD2 (chromodomain helicase DNA binding protein 2; plus strand). Cytogenetic location: 15q26.1.
Variant type: single nucleotide variant.
Coding change: c.2169C>T on transcript NM_001271.4 (MANE Select); coding-DNA position 2169, C replaced by T.
Protein change: p.Ala723=; no amino-acid change (alanine 723 retained).
Molecular consequence: synonymous variant.
Genome position (GRCh38, 1-based): chr15:92,967,493, C>T. VCF-style: chr15-92967493-C-T. GRCh37 (hg19) VCF-style: chr15-93510723-C-T.
Identifiers: ClinVar variation 680379 (VCV000680379.1), dbSNP rs745604322, ClinGen allele CA274883022.